The following is an entry in ClinVar:

ClinVar aggregate classification (germline): Uncertain significance (1 of 4 stars; one submission).

Conditions:
Cardiovascular phenotype. Identifiers: MedGen CN230736.

Submission:

Ambry Genetics
Classification: Uncertain significance for Cardiovascular phenotype. Last evaluated: 2022-02-20. Review status: criteria provided, single submitter. Criteria: Ambry Variant Classification Scheme 2023. Collection method: clinical testing. Allele origin: germline.
Comment: The p.K23E variant (also known as c.67A>G), located in coding exon 1 of the KCNJ5 gene, results from an A to G substitution at nucleotide position 67. The lysine at codon 23 is replaced by glutamic acid, an amino acid with similar properties. This amino acid position is well conserved in available vertebrate species. In addition, the in silico prediction for this alteration is inconclusive. Since supporting evidence is limited at this time, the clinical significance of this alteration remains unclear.

NM_000890.5(KCNJ5):c.67A>G (p.Lys23Glu)

Gene: KCNJ5 (potassium inwardly rectifying channel subfamily J member 5; plus strand). Cytogenetic location: 11q24.3.
Variant type: single nucleotide variant.
Coding change: c.67A>G on transcript NM_000890.5 (MANE Select); coding-DNA position 67, A replaced by G.
Protein change: p.Lys23Glu; replaces lysine 23 with glutamic acid.
Molecular consequence: missense variant.
Genome position (GRCh38, 1-based): chr11:128,911,340, A>G. VCF-style: chr11-128911340-A-G. GRCh37 (hg19) VCF-style: chr11-128781235-A-G.
Other names: c.67A>G, p.Lys23Glu (NM_001354169.2); short protein forms K23E.
Identifiers: ClinVar variation 1755501 (VCV001755501.2), dbSNP rs2497721988, ClinGen allele CA383245559.